The following is an entry in ClinVar:

ClinVar aggregate classification (germline): Uncertain significance. Review status: criteria provided, multiple submitters, no conflicts (2 of 4 stars). 2 submissions from 2 submitters: Uncertain significance (2). Last evaluated 2026-01-19.

Conditions:
Wilms tumor 1 (WT1). Also called: Wilms tumor, somatic. Identifiers: Orphanet 654, MedGen CN033288, MONDO:0008679, OMIM 194070.
Frasier syndrome. Identifiers: Orphanet 347, MedGen C0950122, MeSH D052159, MONDO:0007635, OMIM 136680.
11p partial monosomy syndrome (WAGR). Also called: WAGR syndrome; WAGR Complex; WAGR Spectrum Disorder; CHROMOSOME 11p13 DELETION SYNDROME. Identifiers: Orphanet 893, MedGen C0206115, MONDO:0008681, OMIM 194072.
Drash syndrome (DDS). Also called: NEPHROPATHY, WILMS TUMOR, AND GENITAL ANOMALIES; WILMS TUMOR AND PSEUDO- OR TRUE HERMAPHRODITISM. Identifiers: Orphanet 220, MedGen C0950121, MONDO:0008682, OMIM 194080.
Inborn genetic diseases. Identifiers: MedGen C0950123, MeSH D030342.

Allele frequency attached by ClinVar (database versions not stated): TOPMed below 0.00001.

Submissions (2):

Ambry Genetics
Classification: Uncertain significance for Inborn genetic diseases. Last evaluated: 2026-01-19. Review status: criteria provided, single submitter. Criteria: Ambry Variant Classification Scheme 2023. Collection method: clinical testing. Allele origin: germline.
Comment: The p.A123E variant (also known as c.368C>A), located in coding exon 1 of the WT1 gene, results from a C to A substitution at nucleotide position 368. The alanine at codon 123 is replaced by glutamic acid, an amino acid with dissimilar properties. This amino acid position is conserved. In addition, this alteration is predicted to be tolerated by in silico analysis. Based on the available evidence, the clinical significance of this variant remains unclear.

Labcorp Genetics (formerly Invitae), Labcorp
Classification: Uncertain significance for Wilms tumor 1; Drash syndrome; 11p partial monosomy syndrome; Frasier syndrome. Last evaluated: 2022-12-24. Review status: criteria provided, single submitter. Criteria: Invitae Variant Classification Sherloc (09022015). Collection method: clinical testing. Allele origin: germline.
Comment: In summary, the available evidence is currently insufficient to determine the role of this variant in disease. Therefore, it has been classified as a Variant of Uncertain Significance. Algorithms developed to predict the effect of missense changes on protein structure and function are either unavailable or do not agree on the potential impact of this missense change (SIFT: "Tolerated"; PolyPhen-2: "Probably Damaging"; Align-GVGD: "Class C0"). This variant has not been reported in the literature in individuals affected with WT1-related conditions. This variant is not present in population databases (gnomAD no frequency). This sequence change replaces alanine, which is neutral and non-polar, with glutamic acid, which is acidic and polar, at codon 123 of the WT1 protein (p.Ala123Glu).

NM_024426.6(WT1):c.383C>A (p.Ala128Glu)

Genes: WT1 (WT1 transcription factor; minus strand), LOC107982234 (WT1/WT1-AS bi-directional promoter region; plus strand). Cytogenetic location: 11p13.
Variant type: single nucleotide variant.
Coding change: c.383C>A on transcript NM_024426.6 (MANE Select); coding-DNA position 383, C replaced by A.
Protein change: p.Ala128Glu; replaces alanine 128 with glutamic acid.
Molecular consequence: missense variant. On other transcripts: non-coding transcript variant (2).
Genome position (GRCh38, 1-based): chr11:32,434,978, G>T on the plus strand (C>A on the coding strand, the complement: WT1 is on the minus strand). VCF-style: chr11-32434978-G-T. GRCh37 (hg19) VCF-style: chr11-32456524-G-T.
Other names: c.383C>A, p.Ala128Glu (NM_000378.6, NM_001407044.1, NM_001407045.1 and 6 more transcripts); c.368C>A, p.Ala123Glu (NM_024425.2); c.368C>A (NM_024426.4); short protein forms A128E, A123E.
Identifiers: ClinVar variation 2945688 (VCV002945688.4), dbSNP rs1853454023, ClinGen allele CA379965806.